The following is an entry in ClinVar:

NM_002499.4(NEO1):c.1985A>G (p.Gln662Arg)

Gene: NEO1 (neogenin 1; plus strand). Cytogenetic location: 15q24.1.
Variant type: single nucleotide variant.
Coding change: c.1985A>G on transcript NM_002499.4 (MANE Select); coding-DNA position 1985, A replaced by G.
Protein change: p.Gln662Arg; replaces glutamine 662 with arginine.
Molecular consequence: missense variant.
Genome position (GRCh38, 1-based): chr15:73,254,722, A>G. VCF-style: chr15-73254722-A-G. GRCh37 (hg19) VCF-style: chr15-73547063-A-G.
Other names: c.1985A>G, p.Gln662Arg (NM_001172623.2, NM_001172624.2); c.2045A>G, p.Gln682Arg (NM_001419531.1); short protein forms Q662R, Q682R.
Identifiers: ClinVar variation 2636884 (VCV002636884.1), dbSNP rs2548855196, ClinGen allele CA393079323.
Genomic context (GRCh38, chr15:73,254,722, plus strand): 5'-TATAATTCTGTCTTGTGCAGAGTATTATGATTCACTGGCAGCCACCTGCTCCAGCCACAC[A>G]AAATGGGCAGATTACTGGCTACAAGATTCGCTACCGAAAGGCCTCCCGAAAGAGTGATGT-3'
Protein context (NP_002490.2, residues 652-672): IHWQPPAPAT[Gln662Arg]NGQITGYKIR

ClinVar aggregate classification (germline): Uncertain significance (1 of 4 stars; one submission).

Conditions:
NEO1-related disorder. Also called: NEO1-related condition.

Submission:

PreventionGenetics, part of Exact Sciences
Classification: Uncertain significance for NEO1-related condition. Last evaluated: 2023-01-04. Review status: criteria provided, single submitter. Criteria: ACMG Guidelines, 2015. Collection method: clinical testing. Allele origin: germline.
Comment: The NEO1 c.1985A>G variant is predicted to result in the amino acid substitution p.Gln662Arg. To our knowledge, this variant has not been reported in the literature or in a large population database, indicating this variant is rare. At this time, the clinical significance of this variant is uncertain due to the absence of conclusive functional and genetic evidence.